The following is an entry in ClinVar:

NM_001252024.2(TRPM1):c.2343C>A (p.Pro781=)

Gene: TRPM1 (transient receptor potential cation channel subfamily M member 1; minus strand). Cytogenetic location: 15q13.3.
Variant type: single nucleotide variant.
Coding change: c.2343C>A on transcript NM_001252024.2 (MANE Select); coding-DNA position 2343, C replaced by A.
Protein change: p.Pro781=; no amino-acid change (proline 781 retained).
Molecular consequence: synonymous variant.
Genome position (GRCh38, 1-based): chr15:31,038,140, G>T on the plus strand (C>A on the coding strand, the complement: TRPM1 is on the minus strand). VCF-style: chr15-31038140-G-T. GRCh37 (hg19) VCF-style: chr15-31330343-G-T.
Other names: c.2394C>A, p.Pro798= (NM_001252020.2); c.2277C>A, p.Pro759= (NM_002420.6).
Identifiers: ClinVar variation 3051847 (VCV003051847.2), dbSNP rs1332602240, ClinGen allele CA489644546.
Genomic context (GRCh38, chr15:31,038,140, plus strand): 5'-TTCCTTGGATGTTTGATACGAGAAATCATCATATGTGCGAAATTCCAAAAACAAGATGGT[G>T]GGGGGTAGAAGAATCCCCATGATAACCTACGGAACATAAATTGATTTTTTAAGCTGTGGC-3'
Protein context (NP_001238953.1, residues 771-791): LKVIMGILLP[Pro781=]TILFLEFRTY

ClinVar aggregate classification (germline): Likely benign (0 of 4 stars; one submission).

Conditions:
TRPM1-related disorder. Also called: TRPM1-related condition.

Allele frequency attached by ClinVar (database versions not stated): gnomAD 0.00001; TOPMed 0.00001.
gnomAD v4.1: 7 of 1,613,478 alleles (0.00043%); highest among the groups gnomAD compares: East Asian, 0.0067%; no homozygotes.

Submission:

PreventionGenetics, part of Exact Sciences
Classification: Likely benign for TRPM1-related condition. Last evaluated: 2020-03-18. Review status: no assertion criteria provided. Collection method: clinical testing. Allele origin: germline.
Comment: This variant is classified as likely benign based on ACMG/AMP sequence variant interpretation guidelines (Richards et al. 2015 PMID: 25741868, with internal and published modifications).